The following is an entry in ClinVar:

ClinVar aggregate classification (germline): Pathogenic. Review status: reviewed by expert panel (3 of 4 stars). 2 submissions from 2 submitters: Pathogenic (1). 1 of the submissions does not count toward it. Last evaluated 2023-08-04.

Conditions:
CDH1-related diffuse gastric and lobular breast cancer syndrome. Also called: CDH1-related diffuse gastric and lobular breast cancer. Identifiers: MedGen CN311521, MONDO:0100488.
Hereditary diffuse gastric adenocarcinoma (HDGC). Also called: DIFFUSE GASTRIC AND LOBULAR BREAST CANCER SYNDROME. Identifiers: Orphanet 26106, MedGen C1708349, MONDO:0007648, OMIM 137215.

Allele frequency attached by ClinVar (database versions not stated): gnomAD exomes below 0.00001.
gnomAD v4.1: 1 of 1,614,106 alleles (0.000062%); highest among the groups gnomAD compares: Non-Finnish European, 0.000085%; no homozygotes.

Submissions (2):

Clingen Gastric Cancer Variant Curation Expert Panel
Classification: Pathogenic for CDH1-related diffuse gastric and lobular breast cancer syndrome. Last evaluated: 2023-08-04. Review status: reviewed by expert panel. Criteria: ClinGen CDH1 ACMG Specifications V3.1. Collection method: curation. Allele origin: germline. Inheritance: Autosomal dominant inheritance.
Comment: The CDH1 c.467G>A (p.Trp156Ter) variant is predicted to result in a premature stop codon that leads to nonsense mediate decay (PVS1 and PM5_supporting). The variant is absent in the gnomAD cohort (PM2_supporting). Therefore, this variant meets criteria to be classified as pathogenic based on the ACMG/AMP criteria applied as specified by the CDH1 Variant Curation Expert Panel (CDH1 VCEP specifications version 3.1): PVS1, PM2_supporting, PM5_supporting.

Labcorp Genetics (formerly Invitae), Labcorp
Classification: Pathogenic for Hereditary diffuse gastric adenocarcinoma. Last evaluated: 2017-03-28. Review status: criteria provided, single submitter. Criteria: Invitae Variant Classification Sherloc (09022015). Collection method: clinical testing. Allele origin: germline. Not counted in ClinVar's aggregate classification.
Comment: This sequence change creates a premature translational stop signal at codon 156 (p.Trp156*) of the CDH1 gene. It is expected to result in an absent or disrupted protein product. Loss-of-function variants in CDH1 are known to be pathogenic. This particular variant has been reported in the literature in an individual with breast or ovarian cancer (PMID: 20616022). This variant is also known as 591G>A and 157Stop in the literature. For these reasons, this variant has been classified as Pathogenic.

Literature cited by the submitters: PubMed 20616022 (cited by Labcorp Genetics (formerly Invitae), Labcorp).

NM_004360.5(CDH1):c.467G>A (p.Trp156Ter)

Gene: CDH1 (cadherin 1; plus strand). Cytogenetic location: 16q22.1.
Variant type: single nucleotide variant.
Coding change: c.467G>A on transcript NM_004360.5 (MANE Select); coding-DNA position 467, G replaced by A.
Protein change: p.Trp156Ter; replaces tryptophan 156 with a stop codon.
Molecular consequence: nonsense. On other transcripts: 5 prime UTR variant (2).
Genome position (GRCh38, 1-based): chr16:68,808,503, G>A. VCF-style: chr16-68808503-G-A. GRCh37 (hg19) VCF-style: chr16-68842406-G-A.
Other names: NM_004360.5(CDH1):c.467G>A; p.Trp156Ter; c.467G>A (LRG_301t1); c.467G>A, p.Trp156Ter (NM_001317184.2); c.-1149G>A (NM_001317185.2); c.-1353G>A (NM_001317186.2); short protein forms W156*.
Identifiers: ClinVar variation 463781 (VCV000463781.13), dbSNP rs1555515215, ClinGen allele CA396457680.